The following is an entry in ClinVar:

NM_006593.4(TBR1):c.1134A>G (p.Thr378=)

Gene: TBR1 (T-box brain transcription factor 1; plus strand). Cytogenetic location: 2q24.2.
Variant type: single nucleotide variant.
Coding change: c.1134A>G on transcript NM_006593.4 (MANE Select); coding-DNA position 1134, A replaced by G.
Protein change: p.Thr378=; no amino-acid change (threonine 378 retained).
Molecular consequence: synonymous variant.
Genome position (GRCh38, 1-based): chr2:161,420,201, A>G. VCF-style: chr2-161420201-A-G. GRCh37 (hg19) VCF-style: chr2-162276712-A-G.
Identifiers: ClinVar variation 588193 (VCV000588193.13), dbSNP rs79294493, ClinGen allele CA1930915.
Genomic context (GRCh38, chr2:161,420,201, plus strand): 5'-CACCCAGTCTTCACGTATAAAAGGTGAGATAACATTCATTTTTTTTCTTTGCCAGATTAC[A>G]CAACTGAAAATAGATCACAACCCTTTTGCAAAAGGATTTCGGGATAATTATGACACGTAA-3'
Protein context (NP_006584.1, residues 368-388): AVTAYQNTDI[Thr378=]QLKIDHNPFA

ClinVar aggregate classification (germline): Benign. Review status: criteria provided, multiple submitters, no conflicts (2 of 4 stars). 5 submissions from 5 submitters: Benign (4). 1 of the submissions does not count toward it. Last evaluated 2021-08-26.

Conditions:
TBR1-related disorder. Also called: TBR1-related condition.
Intellectual developmental disorder with autism and speech delay. Also called: Autism 5; AUTS5; Autism, susceptibility to, 5; PHRASE SPEECH DELAY, AUTISM-RELATED; AUTISM-RELATED SPEECH DELAY. Identifiers: MedGen C1853755, MONDO:0011627, OMIM 606053.
Inborn genetic diseases. Identifiers: MedGen C0950123, MeSH D030342.

Allele frequency attached by ClinVar (database versions not stated): gnomAD exomes 0.00320 and 0.00564; ExAC 0.00657; gnomAD 0.01365 and 0.01425; 1000 Genomes Project 0.01478; ESP Exome Variant Server 0.01499; TOPMed 0.01510; 1000 Genomes Project 30x 0.01562.

Submissions (5):

Fulgent Genetics
Classification: Benign for Intellectual developmental disorder with autism and speech delay. Last evaluated: 2021-08-26. Review status: criteria provided, single submitter. Criteria: ACMG Guidelines, 2015. Collection method: clinical testing. Allele origin: unknown.

Labcorp Genetics (formerly Invitae), Labcorp
Classification: Benign. Last evaluated: 2019-12-31. Review status: criteria provided, single submitter. Criteria: Invitae Variant Classification Sherloc (09022015). Collection method: clinical testing. Allele origin: germline.

Ambry Genetics
Classification: Benign for Inborn genetic diseases. Last evaluated: 2016-05-14. Review status: criteria provided, single submitter. Criteria: Ambry Variant Classification Scheme 2023. Collection method: clinical testing. Allele origin: germline.

Breakthrough Genomics
Classification: Benign. Review status: criteria provided, single submitter. Criteria: ACMG Guidelines, 2015. Collection method: not provided. Allele origin: germline. Inheritance: Autosomal dominant inheritance. Affected: yes.

PreventionGenetics, part of Exact Sciences
Classification: Benign for TBR1-related condition. Last evaluated: 2019-09-06. Review status: no assertion criteria provided. Collection method: clinical testing. Allele origin: germline. Not counted in ClinVar's aggregate classification.
Comment: This variant is classified as benign based on ACMG/AMP sequence variant interpretation guidelines (Richards et al. 2015 PMID: 25741868, with internal and published modifications).